The following is an entry in ClinVar:

ClinVar aggregate classification (germline): Uncertain significance (1 of 4 stars; one submission).

Submission:

Greenwood Genetic Center Diagnostic Laboratories, Greenwood Genetic Center
Classification: Uncertain significance. Last evaluated: 2025-12-31. Review status: criteria provided, single submitter. Criteria: ACMG Guidelines, 2015. Collection method: clinical testing. Allele origin: germline. Affected: yes.
Comment: PM2, BP4

NM_001161352.2(KCNMA1):c.1132-17G>A

Gene: KCNMA1 (potassium calcium-activated channel subfamily M alpha 1; minus strand). Cytogenetic location: 10q22.3.
Variant type: single nucleotide variant.
Coding change: c.1132-17G>A on transcript NM_001161352.2 (MANE Select); 17 bases into the intron before coding-DNA position 1132, G replaced by A.
Molecular consequence: intron variant.
Genome position (GRCh38, 1-based): chr10:77,108,589, C>T on the plus strand (G>A on the coding strand, the complement: KCNMA1 is on the minus strand). VCF-style: chr10-77108589-C-T. GRCh37 (hg19) VCF-style: chr10-78868347-C-T.
Other names: c.970-17G>A (NM_001271518.2); c.1132-17G>A (NM_001322832.2, NM_001410940.1, NM_001437423.1 and 9 more transcripts); c.592-17G>A (NM_001322838.2); c.1264-17G>A (NM_001437422.1).
Identifiers: ClinVar variation 4845566 (VCV004845566.1).